The following is an entry in ClinVar:

NM_005544.3(IRS1):c.3475G>T (p.Ala1159Ser)

Gene: IRS1 (insulin receptor substrate 1; minus strand). Cytogenetic location: 2q36.3.
Variant type: single nucleotide variant.
Coding change: c.3475G>T on transcript NM_005544.3 (MANE Select); coding-DNA position 3475, G replaced by T.
Protein change: p.Ala1159Ser; replaces alanine 1159 with serine.
Molecular consequence: missense variant.
Genome position (GRCh38, 1-based): chr2:226,795,264, C>A on the plus strand (G>T on the coding strand, the complement: IRS1 is on the minus strand). VCF-style: chr2-226795264-C-A. GRCh37 (hg19) VCF-style: chr2-227659980-C-A.
Other names: short protein forms A1159S.
Identifiers: ClinVar variation 4821723 (VCV004821723.4).

ClinVar aggregate classification (germline): Uncertain significance (1 of 4 stars; one submission).

Submission:

CeGaT Center for Human Genetics Tuebingen
Classification: Uncertain significance. Last evaluated: 2026-03-01. Review status: criteria provided, single submitter. Criteria: CeGaT Center For Human Genetics Tuebingen Variant Classification Criteria Version 2. Collection method: clinical testing. Allele origin: germline. Affected: yes. Observed: 1 variant allele.
Comment: IRS1: PM2, BP4